The following is an entry in ClinVar:

NM_000444.6(PHEX):c.1750C>T (p.His584Tyr)

Genes: PHEX (phosphate regulating endopeptidase X-linked; plus strand), PTCHD1-AS (PTCHD1 and PHEX antisense RNA; minus strand). Cytogenetic location: Xp22.11.
Variant type: single nucleotide variant.
Coding change: c.1750C>T on transcript NM_000444.6 (MANE Select); coding-DNA position 1750, C replaced by T.
Protein change: p.His584Tyr; replaces histidine 584 with tyrosine.
Molecular consequence: missense variant.
Genome position (GRCh38, 1-based): chrX:22,219,085, C>T. VCF-style: chrX-22219085-C-T. GRCh37 (hg19) VCF-style: chrX-22237202-C-T.
Other names: c.1750C>T, p.His584Tyr (NM_001282754.2); short protein forms H584Y.
Identifiers: ClinVar variation 803765 (VCV000803765.8), dbSNP rs1602402258, ClinGen allele CA412575814.

ClinVar aggregate classification (germline): Pathogenic/Likely pathogenic. Review status: criteria provided, multiple submitters, no conflicts (2 of 4 stars). 2 submissions from 2 submitters: Pathogenic (1); Likely pathogenic (1). Last evaluated 2022-02-04.

Conditions:
Familial X-linked hypophosphatemic vitamin D refractory rickets (XLHRD). Also called: HYPOPHOSPHATEMIC VITAMIN D-RESISTANT RICKETS; Hypophosphatemia, vitamin D-resistant rickets; Vitamin D-resistant rickets, X-linked; X-Linked Hypophosphatemia; Hypophosphatemic Rickets, X-Linked Dominant. Identifiers: Orphanet 89936, MedGen C0733682, MONDO:0010619, OMIM 307800.

Submissions (2):

Labcorp Genetics (formerly Invitae), Labcorp
Classification: Pathogenic. Last evaluated: 2022-02-04. Review status: criteria provided, single submitter. Criteria: Invitae Variant Classification Sherloc (09022015). Collection method: clinical testing. Allele origin: germline.
Comment: This sequence change replaces histidine, which is basic and polar, with tyrosine, which is neutral and polar, at codon 584 of the PHEX protein (p.His584Tyr). This variant is not present in population databases (gnomAD no frequency). This missense change has been observed in individual(s) with X-linked hypophosphatasia (Invitae). ClinVar contains an entry for this variant (Variation ID: 803765). Advanced modeling of protein sequence and biophysical properties (such as structural, functional, and spatial information, amino acid conservation, physicochemical variation, residue mobility, and thermodynamic stability) performed at Invitae indicates that this missense variant is expected to disrupt PHEX protein function. For these reasons, this variant has been classified as Pathogenic.

Mendelics
Classification: Likely pathogenic for Familial X-linked hypophosphatemic vitamin D refractory rickets. Last evaluated: 2019-05-28. Review status: criteria provided, single submitter. Criteria: Mendelics Assertion Criteria 2017. Collection method: clinical testing. Allele origin: unknown.